The following is an entry in ClinVar:

NM_001356.5(DDX3X):c.472A>G (p.Ile158Val)

Gene: DDX3X (DEAD-box helicase 3 X-linked; plus strand). Cytogenetic location: Xp11.4.
Variant type: single nucleotide variant.
Coding change: c.472A>G on transcript NM_001356.5 (MANE Select); coding-DNA position 472, A replaced by G.
Protein change: p.Ile158Val; replaces isoleucine 158 with valine.
Molecular consequence: missense variant. On other transcripts: 5 prime UTR variant (1), non-coding transcript variant (1).
Genome position (GRCh38, 1-based): chrX:41,342,765, A>G. VCF-style: chrX-41342765-A-G. GRCh37 (hg19) VCF-style: chrX-41202018-A-G.
Other names: c.472A>G, p.Ile158Val (NM_001193416.3); c.424A>G, p.Ile142Val (NM_001193417.3); c.-87A>G (NM_001363819.1); short protein forms I142V, I158V.
Identifiers: ClinVar variation 1351897 (VCV001351897.10), dbSNP rs2147350838, ClinGen allele CA412767025.

ClinVar aggregate classification (germline): Uncertain significance. Review status: criteria provided, multiple submitters, no conflicts (2 of 4 stars). 2 submissions from 2 submitters: Uncertain significance (2). Last evaluated 2021-05-06.

Conditions:
Inborn genetic diseases. Identifiers: MedGen C0950123, MeSH D030342.

Submissions (2):

Labcorp Genetics (formerly Invitae), Labcorp
Classification: Uncertain significance. Last evaluated: 2021-05-06. Review status: criteria provided, single submitter. Criteria: Invitae Variant Classification Sherloc (09022015). Collection method: clinical testing. Allele origin: germline.
Comment: Algorithms developed to predict the effect of missense changes on protein structure and function are either unavailable or do not agree on the potential impact of this missense change (SIFT: "Deleterious"; PolyPhen-2: "Not Available"; Align-GVGD: "Class C0"). In summary, the available evidence is currently insufficient to determine the role of this variant in disease. Therefore, it has been classified as a Variant of Uncertain Significance. This variant has not been reported in the literature in individuals with DDX3X-related conditions. This sequence change replaces isoleucine with valine at codon 158 of the DDX3X protein (p.Ile158Val). The isoleucine residue is highly conserved and there is a small physicochemical difference between isoleucine and valine. This variant is not present in population databases (ExAC no frequency).

Ambry Genetics
Classification: Uncertain significance for Inborn genetic diseases. Last evaluated: 2018-04-27. Review status: criteria provided, single submitter. Criteria: Ambry Variant Classification Scheme 2023. Collection method: clinical testing. Allele origin: germline.
Comment: The p.I158V variant (also known as c.472A>G), located in coding exon 6 of the DDX3X gene, results from an A to G substitution at nucleotide position 472. The isoleucine at codon 158 is replaced by valine, an amino acid with highly similar properties. This amino acid position is highly conserved in available vertebrate species. In addition, this alteration is predicted to be tolerated by in silico analysis. Since supporting evidence is limited at this time, the clinical significance of this alteration remains unclear.